The following is an entry in ClinVar:

NM_021625.5(TRPV4):c.651G>A (p.Ala217=)

Gene: TRPV4 (transient receptor potential cation channel subfamily V member 4; minus strand). Cytogenetic location: 12q24.11.
Variant type: single nucleotide variant.
Coding change: c.651G>A on transcript NM_021625.5 (MANE Select); coding-DNA position 651, G replaced by A.
Protein change: p.Ala217=; no amino-acid change (alanine 217 retained).
Molecular consequence: synonymous variant.
Genome position (GRCh38, 1-based): chr12:109,803,052, C>T on the plus strand (G>A on the coding strand, the complement: TRPV4 is on the minus strand). VCF-style: chr12-109803052-C-T. GRCh37 (hg19) VCF-style: chr12-110240857-C-T.
Other names: c.549G>A, p.Ala183= (NM_001177431.2); c.651G>A, p.Ala217= (NM_001177433.2, NM_147204.3, NM_001177428.2).
Identifiers: ClinVar variation 517843 (VCV000517843.19), dbSNP rs371280831, ClinGen allele CA6780483.
Genomic context (GRCh38, chr12:109,803,052, plus strand): 5'-TCGATAGTAGATGTCACGGAAGGGCGAGTTAATGAACTCCCTCATGTTGCCGGTGCGCTC[C>T]GCGATGTCCAGCAGCACAGGGATGGTGTCGTTGCGGCCATTGCTCAGGTTCAGCAAGGCC-3'
Protein context (NP_067638.3, residues 207-227): NDTIPVLLDI[Ala217=]ERTGNMREFI

ClinVar aggregate classification (germline): Conflicting classifications of pathogenicity. Review status: criteria provided, conflicting classifications (1 of 4 stars). 11 submissions from 6 submitters: Uncertain significance (6); Likely benign (5). Last evaluated 2025-11-26.

Conditions:
Brachyrachia (short spine dysplasia) (BCYM3). Also called: Brachyolmia, TRPV4-Related; BRACHYRACHIA; Brachyolmia Type 3; Autosomal dominant brachyolmia. Identifiers: Orphanet 93304, MedGen C0432227, MONDO:0007232, OMIM 113500.
Scapuloperoneal spinal muscular atrophy (SPSMA). Also called: Scapuloperoneal Spinal Muscular Atrophy, TRPV4-Related; AMYOTROPHY, NEUROGENIC SCAPULOPERONEAL, NEW ENGLAND TYPE; Scapuloperoneal Form of Spinal Muscular Atrophy; Scapuloperoneal spinal muscular atrophy, autosomal dominant. Identifiers: Orphanet 431255, MedGen C0751335, MONDO:0008408, OMIM 181405.
TRPV4-related disorder. Also called: TRPV4-related disorders; TRPV4-related condition.
Inborn genetic diseases. Identifiers: MedGen C0950123, MeSH D030342.
Charcot-Marie-Tooth disease axonal type 2C (HMSN2C). Also called: Charcot-Marie-Tooth Disease Type 2, TRPV4-Related (CMT2C); CHARCOT-MARIE-TOOTH DISEASE, AXONAL, AUTOSOMAL DOMINANT, TYPE 2C; Charcot-Marie-Tooth Neuropathy Type 2C. Identifiers: Orphanet 99937, MedGen C1853710, MONDO:0011633, OMIM 606071.
Spondylometaphyseal dysplasia, Kozlowski type (SMDK). Also called: Dysmorphism arthrogryposis skeletal maturation advanced; Jequier-Kozlowski syndrome; Skeletal dysplasia Jequier-Kozlowski type; SMD Kozlowski type; Spondylometaphyseal Dysplasia, TRPV4-Related (Kozlowski Type). Identifiers: Orphanet 93314, MedGen C0265280, MONDO:0008477, OMIM 184252.
Metatropic dysplasia (MTD). Also called: Metatropic Dysplasia, TRPV4-Related; Metatropic dysplasia, nonlethal dominant; METATROPIC DWARFISM. Identifiers: Orphanet 2635, MedGen C0265281, MONDO:0007986, OMIM 156530.
Neuronopathy, distal hereditary motor, autosomal dominant 8. Also called: SPINAL MUSCULAR ATROPHY, CONGENITAL BENIGN, WITH CONTRACTURES; NEUROPATHY, DISTAL HEREDITARY MOTOR, TYPE VIII; NEURONOPATHY, DISTAL HEREDITARY MOTOR, TYPE VIII; Autosomal dominant congenital benign spinal muscular atrophy. Identifiers: Orphanet 1216, MedGen C1838492, MONDO:0010839, OMIM 600175.

Allele frequency attached by ClinVar (database versions not stated): gnomAD 0.00002; gnomAD exomes 0.00003 and 0.00006; ExAC 0.00001; TOPMed 0.00006; ESP Exome Variant Server 0.00008.
gnomAD v4.1: 92 of 1,614,066 alleles (0.0057%); highest among the groups gnomAD compares: Non-Finnish European, 0.0073%; no homozygotes.

Submissions (11):

PreventionGenetics, part of Exact Sciences
Classification: Likely benign for TRPV4-related condition. Last evaluated: 2025-11-26. Review status: criteria provided, single submitter. Criteria: ACMG Guidelines, 2015. Collection method: clinical testing. Allele origin: germline.
Comment: This variant is classified as likely benign based on ACMG/AMP sequence variant interpretation guidelines (Richards et al. 2015 PMID: 25741868, with internal and published modifications).

Labcorp Genetics (formerly Invitae), Labcorp
Classification: Likely benign for Charcot-Marie-Tooth disease axonal type 2C. Last evaluated: 2025-10-02. Review status: criteria provided, single submitter. Criteria: Invitae Variant Classification Sherloc (09022015). Collection method: clinical testing. Allele origin: germline.

Blueprint Genetics
Classification: Likely benign. Last evaluated: 2024-04-21. Review status: criteria provided, single submitter. Criteria: ACMG Guidelines, 2015. Collection method: clinical testing. Allele origin: germline.

GeneDx
Classification: Likely benign. Last evaluated: 2020-07-30. Review status: criteria provided, single submitter. Criteria: GeneDx Variant Classification Process June 2021. Collection method: clinical testing. Allele origin: germline. Affected: yes.

Ambry Genetics
Classification: Likely benign for Inborn genetic diseases. Last evaluated: 2019-07-11. Review status: criteria provided, single submitter. Criteria: Ambry Variant Classification Scheme 2023. Collection method: clinical testing. Allele origin: germline.

Illumina Laboratory Services, Illumina
Classification: Uncertain significance for Brachyrachia (short spine dysplasia). Last evaluated: 2017-04-27. Review status: criteria provided, single submitter. Criteria: ICSL Variant Classification Criteria 13 December 2019. Collection method: clinical testing. Allele origin: germline.

Illumina Laboratory Services, Illumina
Classification: Uncertain significance for Charcot-Marie-Tooth disease axonal type 2C. Last evaluated: 2017-04-27. Review status: criteria provided, single submitter. Criteria: ICSL Variant Classification Criteria 13 December 2019. Collection method: clinical testing. Allele origin: germline.

Illumina Laboratory Services, Illumina
Classification: Uncertain significance for Scapuloperoneal spinal muscular atrophy. Last evaluated: 2017-04-27. Review status: criteria provided, single submitter. Criteria: ICSL Variant Classification Criteria 13 December 2019. Collection method: clinical testing. Allele origin: germline.

Illumina Laboratory Services, Illumina
Classification: Uncertain significance for Spondylometaphyseal dysplasia, Kozlowski type. Last evaluated: 2017-04-27. Review status: criteria provided, single submitter. Criteria: ICSL Variant Classification Criteria 13 December 2019. Collection method: clinical testing. Allele origin: germline.

Illumina Laboratory Services, Illumina
Classification: Uncertain significance for Neuronopathy, distal hereditary motor, autosomal dominant 8. Last evaluated: 2017-04-27. Review status: criteria provided, single submitter. Criteria: ICSL Variant Classification Criteria 13 December 2019. Collection method: clinical testing. Allele origin: germline.

Illumina Laboratory Services, Illumina
Classification: Uncertain significance for Metatropic dysplasia. Last evaluated: 2017-04-27. Review status: criteria provided, single submitter. Criteria: ICSL Variant Classification Criteria 13 December 2019. Collection method: clinical testing. Allele origin: germline.